The following is an entry in ClinVar:

ClinVar aggregate classification (germline): Pathogenic. Review status: criteria provided, multiple submitters, no conflicts (2 of 4 stars). 4 submissions from 4 submitters: Pathogenic (3). 1 of the submissions does not count toward it. Last evaluated 2024-03-15.

Conditions:
Glutaric acidemia type 2C.
Glutaric acidemia IIc. Also called: ETFDH deficiency. Identifiers: MedGen C3278156, MONDO:0700076.
Multiple acyl-CoA dehydrogenase deficiency (MADD). Also called: ETHYLMALONIC-ADIPICACIDURIA; GA II; Glutaric acidemia type II; GA 2; Glutaric aciduria, type 2; Glutaric Acidemia type 2. Identifiers: Orphanet 26791, MedGen C0268596, MONDO:0009282, OMIM 231680.

Allele frequency attached by ClinVar (database versions not stated): ExAC 0.00001.

Submissions (4):

Natera, Inc.
Classification: Pathogenic for Glutaric acidemia type 2C. Last evaluated: 2024-03-15. Review status: criteria provided, single submitter. Criteria: Natera Variant Classification Schema (03/2026). Collection method: clinical testing. Allele origin: germline.
Comment: The c.524G>T variant in ETFDH is a missense variant predicted to cause substitution of arginine to leucine at amino acid 175. This variant is rare in the general population with a frequency below the threshold expected for the associated phenotype(s). This variant has been observed in one or more individuals affected with the associated recessive disease, as either homozygous or compound heterozygous with a second variant (PMID: 29988809, 27038534). A different variant at the same position has been determined to be Pathogenic or Likely Pathogenic. Computational prediction algorithms indicate this variant is likely to affect gene or protein function. Given the available evidence, this variant is classified as Pathogenic.

Fulgent Genetics
Classification: Pathogenic for Multiple acyl-CoA dehydrogenase deficiency. Last evaluated: 2024-01-23. Review status: criteria provided, single submitter. Criteria: ACMG Guidelines, 2015. Collection method: clinical testing. Allele origin: germline.

Labcorp Genetics (formerly Invitae), Labcorp
Classification: Pathogenic for Multiple acyl-CoA dehydrogenase deficiency. Last evaluated: 2022-05-07. Review status: criteria provided, single submitter. Criteria: Invitae Variant Classification Sherloc (09022015). Collection method: clinical testing. Allele origin: germline.
Comment: This missense change has been observed in individual(s) with multiple acyl-CoA dehydrogenase deficiency (PMID: 19249206). In at least one individual the data is consistent with being in trans (on the opposite chromosome) from a pathogenic variant. For these reasons, this variant has been classified as Pathogenic. This variant disrupts the p.Arg175 amino acid residue in ETFDH. Other variant(s) that disrupt this residue have been determined to be pathogenic (PMID: 18289905, 20138856, 21347544, 23628458, 29988809). This suggests that this residue is clinically significant, and that variants that disrupt this residue are likely to be disease-causing. Algorithms developed to predict the effect of sequence changes on RNA splicing suggest that this variant may create or strengthen a splice site. Advanced modeling of protein sequence and biophysical properties (such as structural, functional, and spatial information, amino acid conservation, physicochemical variation, residue mobility, and thermodynamic stability) performed at Invitae indicates that this missense variant is expected to disrupt ETFDH protein function. ClinVar contains an entry for this variant (Variation ID: 12029). This variant is present in population databases (rs121964955, gnomAD 0.006%). This sequence change replaces arginine, which is basic and polar, with leucine, which is neutral and non-polar, at codon 175 of the ETFDH protein (p.Arg175Leu).

OMIM
Classification: Pathogenic for GLUTARIC ACIDEMIA IIC. Last evaluated: 2009-03-01. Review status: no assertion criteria provided. Collection method: literature only. Allele origin: germline. Not counted in ClinVar's aggregate classification.

Literature cited by the submitters: PubMed 29988809 (cited by Natera, Inc. and Labcorp Genetics (formerly Invitae), Labcorp); PubMed 27038534 (cited by Natera, Inc.); PubMed 19249206 (cited by Labcorp Genetics (formerly Invitae), Labcorp and OMIM); PubMed 18289905 (cited by Labcorp Genetics (formerly Invitae), Labcorp); PubMed 20138856 (cited by Labcorp Genetics (formerly Invitae), Labcorp); PubMed 21347544 (cited by Labcorp Genetics (formerly Invitae), Labcorp); PubMed 23628458 (cited by Labcorp Genetics (formerly Invitae), Labcorp).

NM_004453.4(ETFDH):c.524G>T (p.Arg175Leu)

Gene: ETFDH (electron transfer flavoprotein dehydrogenase; plus strand). Cytogenetic location: 4q32.1.
Variant type: single nucleotide variant.
Coding change: c.524G>T on transcript NM_004453.4 (MANE Select); coding-DNA position 524, G replaced by T.
Protein change: p.Arg175Leu; replaces arginine 175 with leucine.
Molecular consequence: missense variant.
Genome position (GRCh38, 1-based): chr4:158,685,137, G>T. VCF-style: chr4-158685137-G-T. GRCh37 (hg19) VCF-style: chr4-159606289-G-T.
Other names: c.524G>T (NM_004453.3); c.383G>T, p.Arg128Leu (NM_001281737.2); c.341G>T, p.Arg114Leu (NM_001281738.1); short protein forms R175L, R128L, R114L.
Identifiers: ClinVar variation 12029 (VCV000012029.10), dbSNP rs121964955, ClinGen allele CA121819.
Genomic context (GRCh38, chr4:158,685,137, plus strand): 5'-TATAAATTAAGCATATATTTATAGGGCTTCCAATGAATAATCATGGCAATTACATTGTAC[G>T]CTTGGGACATTTAGTGAGCTGGATGGGCGAACAAGCAGAAGCCCTTGGTGTTGAAGTATA-3'
Protein context (NP_004444.2, residues 165-185): PMNNHGNYIV[Arg175Leu]LGHLVSWMGE